The following is an entry in ClinVar:

NM_000059.4(BRCA2):c.9819_9821del (p.Phe3273del)

Gene: BRCA2 (BRCA2 DNA repair associated; plus strand). Cytogenetic location: 13q13.1.
Variant type: Deletion.
Coding change: c.9819_9821del on transcript NM_000059.4 (MANE Select); coding-DNA positions 9819 to 9821, 3 bases deleted (CTT; older notation c.9819_9821delCTT).
Protein change: p.Phe3273del; deletes phenylalanine 3273.
Molecular consequence: inframe deletion. On other transcripts: non-coding transcript variant (1).
Genome position (GRCh38, 1-based): chr13:32,398,332-32,398,334, CTT deleted; deleting any 3 consecutive bases within chr13:32,398,330-32,398,334 gives the same sequence; the c. name uses the placement nearest the transcript's 3' end. VCF-style (leftmost placement, unchanged base first): chr13-32398329-TTTC-T. GRCh37 (hg19) VCF-style: chr13-32972466-TTTC-T.
Other names: c.9723_9725del, p.Phe3241del (NM_001406719.1); c.9768_9770del, p.Phe3256del (NM_001406720.1); c.4887_4889del, p.Phe1629del (NM_001406721.1); c.3402_3404del, p.Phe1134del (NM_001406722.1); short protein forms F1134del, F1629del, F3241del, F3256del, F3273del.
Identifiers: ClinVar variation 2681848 (VCV002681848.2), dbSNP rs2548564899, ClinGen allele CA2697551703.

ClinVar aggregate classification (germline): Uncertain significance. Review status: criteria provided, multiple submitters, no conflicts (2 of 4 stars). 2 submissions from 2 submitters: Uncertain significance (2). Last evaluated 2025-05-23.

Conditions:
Hereditary cancer-predisposing syndrome. Also called: Hereditary Cancer Syndrome; Hereditary neoplastic syndrome; Neoplastic Syndromes, Hereditary; Tumor predisposition. Identifiers: Orphanet 140162, MedGen C0027672, MeSH D009386, MONDO:0015356.

Submissions (2):

Ambry Genetics
Classification: Uncertain significance for Hereditary cancer-predisposing syndrome. Last evaluated: 2025-05-23. Review status: criteria provided, single submitter. Criteria: Ambry Variant Classification Scheme 2023. Collection method: clinical testing. Allele origin: germline.
Comment: The c.9819_9821delCTT variant (also known as p.F3273del) is located in coding exon 26 of the BRCA2 gene. This variant results from an in-frame CTT deletion at nucleotide positions 9819 to 9821. This results in the in-frame deletion of a phenylalanine at codon 3273. This amino acid position is well conserved in available vertebrate species. In addition, the in silico prediction for this variant is inconclusive (Choi Y et al. PLoS ONE. 2012; 7(10):e46688). Based on the available evidence, the clinical significance of this variant remains unclear.

Quest Diagnostics Nichols Institute San Juan Capistrano
Classification: Uncertain significance. Last evaluated: 2023-07-12. Review status: criteria provided, single submitter. Criteria: Quest Diagnostics criteria. Collection method: clinical testing. Allele origin: unknown.
Comment: To the best of our knowledge, this variant has not been reported in the published literature. It also has not been reported in large, multi-ethnic general populations (Genome Aggregation Database). Based on the available information, we are unable to determine the clinical significance of this variant.